The following is an entry in ClinVar:

NM_006660.5(CLPX):c.1615G>A (p.Glu539Lys)

Gene: CLPX (caseinolytic mitochondrial matrix peptidase chaperone subunit X; minus strand). Cytogenetic location: 15q22.31.
Variant type: single nucleotide variant.
Coding change: c.1615G>A on transcript NM_006660.5 (MANE Select); coding-DNA position 1615, G replaced by A.
Protein change: p.Glu539Lys; replaces glutamic acid 539 with lysine.
Molecular consequence: missense variant. On other transcripts: non-coding transcript variant (1).
Genome position (GRCh38, 1-based): chr15:65,153,636, C>T on the plus strand (G>A on the coding strand, the complement: CLPX is on the minus strand). VCF-style: chr15-65153636-C-T. GRCh37 (hg19) VCF-style: chr15-65445974-C-T.
Other names: c.1615G>A (NM_006660.3); short protein forms E539K.
Identifiers: ClinVar variation 2967833 (VCV002967833.4), dbSNP rs774432272, ClinGen allele CA7614609.

ClinVar aggregate classification (germline): Uncertain significance. Review status: criteria provided, multiple submitters, no conflicts (2 of 4 stars). 2 submissions from 2 submitters: Uncertain significance (2). Last evaluated 2025-02-16.

Allele frequency attached by ClinVar (database versions not stated): TOPMed 0.00001; ExAC 0.00001; gnomAD exomes 0.00004.
gnomAD v4.1: 49 of 1,535,444 alleles (0.0032%); highest among the groups gnomAD compares: Non-Finnish European, 0.0042%; no homozygotes.

Submissions (2):

Labcorp Genetics (formerly Invitae), Labcorp
Classification: Uncertain significance. Last evaluated: 2025-02-16. Review status: criteria provided, single submitter. Criteria: Invitae Variant Classification Sherloc (09022015). Collection method: clinical testing. Allele origin: germline.
Comment: This sequence change replaces glutamic acid, which is acidic and polar, with lysine, which is basic and polar, at codon 539 of the CLPX protein (p.Glu539Lys). This variant is present in population databases (rs774432272, gnomAD 0.003%). This variant has not been reported in the literature in individuals affected with CLPX-related conditions. ClinVar contains an entry for this variant (Variation ID: 2967833). Invitae Evidence Modeling of protein sequence and biophysical properties (such as structural, functional, and spatial information, amino acid conservation, physicochemical variation, residue mobility, and thermodynamic stability) indicates that this missense variant is not expected to disrupt CLPX protein function with a negative predictive value of 80%. In summary, the available evidence is currently insufficient to determine the role of this variant in disease. Therefore, it has been classified as a Variant of Uncertain Significance.

Ambry Genetics
Classification: Uncertain significance. Last evaluated: 2024-06-03. Review status: criteria provided, single submitter. Criteria: Ambry Variant Classification Scheme 2023. Collection method: clinical testing. Allele origin: germline.